The following is an entry in ClinVar:

NM_006767.4(LZTR1):c.1859_1861delinsGCG (p.Leu620_Ser621delinsArgAla)

Gene: LZTR1 (leucine zipper like post translational regulator 1; plus strand). Cytogenetic location: 22q11.21.
Variant type: Indel.
Coding change: c.1859_1861delinsGCG on transcript NM_006767.4 (MANE Select); coding-DNA positions 1859 to 1861, TCT replaced by GCG.
Protein change: p.Leu620_Ser621delinsArgAla.
Molecular consequence: missense variant.
Genome position (GRCh38, 1-based): chr22:20,994,943-20,994,945, TCT replaced by GCG. VCF-style: chr22-20994943-TCT-GCG. GRCh37 (hg19) VCF-style: chr22-21349232-TCT-GCG.
Identifiers: ClinVar variation 2447731 (VCV002447731.2), dbSNP rs2518622476, ClinGen allele CA2580099242.

ClinVar aggregate classification (germline): Uncertain significance (1 of 4 stars; one submission).

Conditions:
Cardiovascular phenotype. Identifiers: MedGen CN230736.
Hereditary cancer-predisposing syndrome. Also called: Neoplastic Syndromes, Hereditary; Hereditary Cancer Syndrome; Tumor predisposition; Hereditary neoplastic syndrome. Identifiers: Orphanet 140162, MedGen C0027672, MeSH D009386, MONDO:0015356.

Submission:

Ambry Genetics
Classification: Uncertain significance for Cardiovascular phenotype; Hereditary cancer-predisposing syndrome. Last evaluated: 2023-01-23. Review status: criteria provided, single submitter. Criteria: Ambry Variant Classification Scheme 2023. Collection method: clinical testing. Allele origin: germline.
Comment: The c.1859_1861delTCTinsGCG variant (also known as p.L620_S621delinsRA), located in coding exon 16 of the LZTR1 gene, results from an in-frame deletion of TCT and insertion of GCG at nucleotide positions 1859 to 1861. This results in the substitution of leucine and serine residues for a arginine and alanine residue at codon 620 and 621, amino acids with highly similar properties. This amino acid region is well conserved in available vertebrate species. In addition, this alteration is predicted to be deleterious by in silico analysis (Choi Y et al. PLoS ONE. 2012; 7(10):e46688). Since supporting evidence is limited at this time, the clinical significance of this alteration remains unclear.